The following is an entry in ClinVar:

ClinVar aggregate classification (germline): Uncertain significance (1 of 4 stars; one submission).

Conditions:
Hereditary cancer-predisposing syndrome. Also called: Neoplastic Syndromes, Hereditary; Hereditary neoplastic syndrome; Tumor predisposition; Hereditary Cancer Syndrome. Identifiers: Orphanet 140162, MedGen C0027672, MeSH D009386, MONDO:0015356.

Submission:

Ambry Genetics
Classification: Uncertain significance for Hereditary cancer-predisposing syndrome. Last evaluated: 2026-01-18. Review status: criteria provided, single submitter. Criteria: Ambry Variant Classification Scheme 2023. Collection method: clinical testing. Allele origin: germline.
Comment: The p.N361H variant (also known as c.1081A>C), located in coding exon 9 of the EGFR gene, results from an A to C substitution at nucleotide position 1081. The asparagine at codon 361 is replaced by histidine, an amino acid with similar properties. This amino acid position is conserved. In addition, this alteration is predicted to be tolerated by in silico analysis. Based on the available evidence, the clinical significance of this variant remains unclear.

NM_005228.5(EGFR):c.1081A>C (p.Asn361His)

Genes: EGFR (epidermal growth factor receptor; plus strand), LOC126860048 (P300/CBP strongly-dependent group 1 enhancer GRCh37_chr7:55223847-55225046; plus strand). Cytogenetic location: 7p11.2.
Variant type: single nucleotide variant.
Coding change: c.1081A>C on transcript NM_005228.5 (MANE Select); coding-DNA position 1081, A replaced by C.
Protein change: p.Asn361His; replaces asparagine 361 with histidine.
Molecular consequence: missense variant.
Genome position (GRCh38, 1-based): chr7:55,156,607, A>C. VCF-style: chr7-55156607-A-C. GRCh37 (hg19) VCF-style: chr7-55224300-A-C.
Other names: c.946A>C, p.Asn316His (NM_001346897.2, NM_001346899.2); c.1081A>C, p.Asn361His (NM_001346898.2, NM_201282.2, NM_201283.2 and 1 more transcripts); c.922A>C, p.Asn308His (NM_001346900.2); c.280A>C, p.Asn94His (NM_001346941.2); short protein forms N308H, N316H, N361H, N94H.
Identifiers: ClinVar variation 4824458 (VCV004824458.1).